The following is an entry in ClinVar:

NM_203447.4(DOCK8):c.2222A>C (p.Lys741Thr)

Gene: DOCK8 (dedicator of cytokinesis 8; plus strand). Cytogenetic location: 9p24.3.
Variant type: single nucleotide variant.
Coding change: c.2222A>C on transcript NM_203447.4 (MANE Select); coding-DNA position 2222, A replaced by C.
Protein change: p.Lys741Thr; replaces lysine 741 with threonine.
Molecular consequence: missense variant.
Genome position (GRCh38, 1-based): chr9:376,993, A>C. VCF-style: chr9-376993-A-C. GRCh37 (hg19) VCF-style: chr9-376993-A-C.
Other names: c.2018A>C, p.Lys673Thr (NM_001190458.2, NM_001193536.2); short protein forms K673T, K741T.
Identifiers: ClinVar variation 2013047 (VCV002013047.4), dbSNP rs753505087, ClinGen allele CA4958143.
Genomic context (GRCh38, chr9:376,993, plus strand): 5'-TTGATGGTATAAAACCCCATGAGGCCTGCCTTCTCCCTTCGCAGGACAACCACCTGGAGA[A>C]GTTCTTCACCCTCTGCCACTCCCTGGAGAGCCAGGTGACCTTCCCCATCCGCGTGCTGGA-3'
Protein context (NP_982272.2, residues 731-751): SVHTQDNHLE[Lys741Thr]FFTLCHSLES

ClinVar aggregate classification (germline): Uncertain significance (1 of 4 stars; one submission).

Conditions:
Combined immunodeficiency due to DOCK8 deficiency (HIES2). Also called: Hyper-IgE recurrent infection syndrome, autosomal recessive; HIES autosomal recessive; HYPER-IgE SYNDROME 2, AUTOSOMAL RECESSIVE, WITH RECURRENT INFECTIONS; HYPER-IgE RECURRENT INFECTION SYNDROME 2, AUTOSOMAL RECESSIVE; DOCK8 Deficiency. Identifiers: Orphanet 217390, MedGen C4722305, MONDO:0009478, OMIM 243700.

Allele frequency attached by ClinVar (database versions not stated): ExAC 0.00001.
gnomAD v4.1: 5 of 1,614,044 alleles (0.00031%); highest among the groups gnomAD compares: Non-Finnish European, 0.00042%; no homozygotes.

Submission:

Labcorp Genetics (formerly Invitae), Labcorp
Classification: Uncertain significance for Combined immunodeficiency due to DOCK8 deficiency. Last evaluated: 2022-07-01. Review status: criteria provided, single submitter. Criteria: Invitae Variant Classification Sherloc (09022015). Collection method: clinical testing. Allele origin: germline.
Comment: In summary, the available evidence is currently insufficient to determine the role of this variant in disease. Therefore, it has been classified as a Variant of Uncertain Significance. Algorithms developed to predict the effect of missense changes on protein structure and function are either unavailable or do not agree on the potential impact of this missense change (SIFT: "Deleterious"; PolyPhen-2: "Benign"; Align-GVGD: "Class C0"). This variant has not been reported in the literature in individuals affected with DOCK8-related conditions. This variant is present in population databases (rs753505087, gnomAD 0.0009%). This sequence change replaces lysine, which is basic and polar, with threonine, which is neutral and polar, at codon 741 of the DOCK8 protein (p.Lys741Thr).